The following is an entry in ClinVar:

ClinVar aggregate classification (germline): Likely benign. Review status: criteria provided, multiple submitters, no conflicts (2 of 4 stars). 4 submissions from 4 submitters: Likely benign (4). Last evaluated 2025-01-09.

Conditions:
Familial cancer of breast. Also called: hereditary breast carcinoma; Hereditary breast cancer; BREAST CANCER, FAMILIAL. Identifiers: Orphanet 227535, MedGen C0346153, MONDO:0016419, OMIM 114480. Disease mechanism: loss of function.
Hereditary cancer-predisposing syndrome. Also called: Hereditary Cancer Syndrome; Hereditary neoplastic syndrome; Neoplastic Syndromes, Hereditary; Tumor predisposition. Identifiers: Orphanet 140162, MedGen C0027672, MeSH D009386, MONDO:0015356.

Allele frequency attached by ClinVar (database versions not stated): gnomAD exomes below 0.00001; TOPMed below 0.00001; ExAC 0.00001; gnomAD 0.00001.
gnomAD v4.1: 3 of 1,612,874 alleles (0.00019%); highest among the groups gnomAD compares: African/African-American, 0.004%; no homozygotes.

Submissions (4):

Myriad Genetics, Inc.
Classification: Likely benign for Familial cancer of breast. Last evaluated: 2025-01-09. Review status: criteria provided, single submitter. Criteria: Myriad Autosomal Dominant, Autosomal Recessive and X-Linked Classification Criteria (2023). Collection method: clinical testing. Allele origin: unknown.
Comment: This variant is considered likely benign. This variant is intronic and is not expected to impact mRNA splicing.

Labcorp Genetics (formerly Invitae), Labcorp
Classification: Likely benign for Familial cancer of breast. Last evaluated: 2023-06-14. Review status: criteria provided, single submitter. Criteria: Invitae Variant Classification Sherloc (09022015). Collection method: clinical testing. Allele origin: germline.

Ambry Genetics
Classification: Likely benign for Hereditary cancer-predisposing syndrome. Last evaluated: 2021-11-23. Review status: criteria provided, single submitter. Criteria: Ambry Variant Classification Scheme 2023. Collection method: clinical testing. Allele origin: germline.

GeneDx
Classification: Likely benign. Last evaluated: 2016-06-01. Review status: criteria provided, single submitter. Criteria: GeneDx Variant Classification (06012015). Collection method: clinical testing. Allele origin: germline. Affected: yes.
Comment: This variant is considered likely benign or benign based on one or more of the following criteria: it is a conservative change, it occurs at a poorly conserved position in the protein, it is predicted to be benign by multiple in silico algorithms, and/or has population frequency not consistent with disease.

NM_024675.4(PALB2):c.49-4C>T

Gene: PALB2 (partner and localizer of BRCA2; minus strand). Cytogenetic location: 16p12.2.
Variant type: single nucleotide variant.
Coding change: c.49-4C>T on transcript NM_024675.4 (MANE Select); 4 bases into the intron before coding-DNA position 49, C replaced by T.
Molecular consequence: intron variant.
Genome position (GRCh38, 1-based): chr16:23,638,133, G>A on the plus strand (C>T on the coding strand, the complement: PALB2 is on the minus strand). VCF-style: chr16-23638133-G-A. GRCh37 (hg19) VCF-style: chr16-23649454-G-A.
Identifiers: ClinVar variation 386697 (VCV000386697.14), dbSNP rs762518243, ClinGen allele CA7963864.